The following is an entry in ClinVar:

ClinVar aggregate classification (germline): Benign. Review status: criteria provided, multiple submitters, no conflicts (2 of 4 stars). 15 submissions from 15 submitters: Benign (13). 2 of the submissions do not count toward it. Last evaluated 2026-02-02.

Conditions:
Renal cell carcinoma. Identifiers: Orphanet 217071, MedGen C0007134, MeSH D002292, MONDO:0005086, HP:0005584.
Hereditary cancer-predisposing syndrome. Also called: Hereditary neoplastic syndrome; Tumor predisposition; Neoplastic Syndromes, Hereditary; Hereditary Cancer Syndrome. Identifiers: Orphanet 140162, MedGen C0027672, MeSH D009386, MONDO:0015356.
Papillary renal cell carcinoma type 1 (RCCP1). Also called: RENAL CELL CARCINOMA, PAPILLARY, 1, SOMATIC; Renal adenocarcinoma; Renal cell carcinoma 1; Renal cell carcinoma, somatic. Identifiers: Orphanet 47044, MedGen C1336839, OMIM 605074, HP:0011797.

Allele frequency attached by ClinVar (database versions not stated): gnomAD exomes 0.00067 and 0.00160; ExAC 0.00191; ESP Exome Variant Server 0.00684; gnomAD 0.00696 and 0.00740; 1000 Genomes Project 0.00719; TOPMed 0.00751; 1000 Genomes Project 30x 0.00874.
gnomAD v4.1: 2,089 of 1,613,976 alleles (0.13%); highest among the groups gnomAD compares: African/African-American, 2.4%; 29 homozygotes.

Submissions (15):

Labcorp Genetics (formerly Invitae), Labcorp
Classification: Benign for Renal cell carcinoma. Last evaluated: 2026-02-02. Review status: criteria provided, single submitter. Criteria: Invitae Variant Classification Sherloc (09022015). Collection method: clinical testing. Allele origin: germline.

Women's Health and Genetics/Laboratory Corporation of America, LabCorp
Classification: Benign. Last evaluated: 2025-11-16. Review status: criteria provided, single submitter. Criteria: LabCorp Variant Classification Summary - May 2015. Collection method: clinical testing. Allele origin: germline.

Center for Genomic Medicine, Rigshospitalet, Copenhagen University Hospital
Classification: Benign. Last evaluated: 2025-03-04. Review status: criteria provided, single submitter. Criteria: ACMG Guidelines, 2015. Collection method: clinical testing. Allele origin: germline.

Myriad Genetics, Inc.
Classification: Benign for Papillary renal cell carcinoma type 1. Last evaluated: 2024-11-06. Review status: criteria provided, single submitter. Criteria: Myriad Autosomal Dominant, Autosomal Recessive and X-Linked Classification Criteria (2023). Collection method: clinical testing. Allele origin: unknown.
Comment: This variant is considered benign. This variant is a silent/synonymous amino acid change and it is not expected to impact splicing.

Department of Pathology and Laboratory Medicine, Sinai Health System
Classification: Benign for Papillary renal cell carcinoma type 1. Last evaluated: 2024-01-10. Review status: criteria provided, single submitter. Criteria: ACMG Guidelines, 2015. Collection method: clinical testing. Allele origin: germline. Affected: yes.

KCCC/NGS Laboratory, Kuwait Cancer Control Center
Classification: Benign for Papillary renal cell carcinoma type 1. Last evaluated: 2023-07-07. Review status: criteria provided, single submitter. Criteria: ACMG Guidelines, 2015. Collection method: clinical testing. Allele origin: germline. Affected: yes.

Mayo Clinic Laboratories, Mayo Clinic
Classification: Benign. Last evaluated: 2022-03-02. Review status: criteria provided, single submitter. Criteria: ACMG Guidelines, 2015. Collection method: clinical testing. Allele origin: germline. Observed: 2 variant alleles.
Comment: BA1, BS2

GeneDx
Classification: Benign. Last evaluated: 2018-01-19. Review status: criteria provided, single submitter. Criteria: GeneDx Variant Classification (06012015). Collection method: clinical testing. Allele origin: germline. Affected: yes.
Comment: This variant is considered likely benign or benign based on one or more of the following criteria: it is a conservative change, it occurs at a poorly conserved position in the protein, it is predicted to be benign by multiple in silico algorithms, and/or has population frequency not consistent with disease.

Illumina Laboratory Services, Illumina
Classification: Benign for Papillary renal cell carcinoma type 1. Last evaluated: 2018-01-13. Review status: criteria provided, single submitter. Criteria: ICSL Variant Classification Criteria 13 December 2019. Collection method: clinical testing. Allele origin: germline.
Comment: This variant was observed in the ICSL laboratory as part of a predisposition screen in an ostensibly healthy population. It had not been previously curated by ICSL or reported in the Human Gene Mutation Database (HGMD: prior to June 1st, 2018), and was therefore a candidate for classification through an automated scoring system. Utilizing variant allele frequency, disease prevalence and penetrance estimates, and inheritance mode, an automated score was calculated to assess if this variant is too frequent to cause the disease. Based on the score and internal cut-off values, a variant classified as benign is not then subjected to further curation. The score for this variant resulted in a classification of benign for this disease.

Ambry Genetics
Classification: Benign for Hereditary cancer-predisposing syndrome. Last evaluated: 2015-03-09. Review status: criteria provided, single submitter. Criteria: Ambry Variant Classification Scheme 2023. Collection method: clinical testing. Allele origin: germline.

Eurofins Ntd Llc (ga)
Classification: Benign. Last evaluated: 2013-02-18. Review status: criteria provided, single submitter. Criteria: EGL Classification Definitions 2015. Collection method: clinical testing. Allele origin: germline. Observed: 2 variant alleles, 2 heterozygotes.

Breakthrough Genomics
Classification: Benign. Review status: criteria provided, single submitter. Criteria: ACMG Guidelines, 2015. Collection method: not provided. Allele origin: germline. Inheritance: Autosomal recessive inheritance. Affected: yes.

PreventionGenetics, part of Exact Sciences
Classification: Benign. Review status: criteria provided, single submitter. Criteria: ACMG Guidelines, 2015. Collection method: clinical testing. Allele origin: germline.

Clinical Genetics, Academic Medical Center
Classification: Benign. Review status: no assertion criteria provided. Collection method: clinical testing. Allele origin: germline. Affected: yes. Study: VKGL Data-share Consensus. Not counted in ClinVar's aggregate classification.

Joint Genome Diagnostic Labs from Nijmegen and Maastricht, Radboudumc and MUMC+
Classification: Benign. Review status: no assertion criteria provided. Collection method: clinical testing. Allele origin: germline. Affected: yes. Study: VKGL Data-share Consensus. Not counted in ClinVar's aggregate classification.

NM_000245.4(MET):c.390C>T (p.Leu130=)

Gene: MET (MET proto-oncogene, receptor tyrosine kinase; plus strand). Cytogenetic location: 7q31.2.
Variant type: single nucleotide variant.
Coding change: c.390C>T on transcript NM_000245.4 (MANE Select); coding-DNA position 390, C replaced by T.
Protein change: p.Leu130=; no amino-acid change (leucine 130 retained).
Molecular consequence: synonymous variant. On other transcripts: intron variant (1).
Genome position (GRCh38, 1-based): chr7:116,699,474, C>T. VCF-style: chr7-116699474-C-T. GRCh37 (hg19) VCF-style: chr7-116339528-C-T.
Other names: p.Leu130=; c.390C>T (NM_001127500.2); c.390C>T, p.Leu130= (NM_001127500.3, NM_001324401.3); c.-91+26897C>T (NM_001324402.2).
Identifiers: ClinVar variation 93573 (VCV000093573.40), dbSNP rs150588908, ClinGen allele CA147086.